The following is an entry in ClinVar:

ClinVar aggregate classification (germline): Likely benign (0 of 4 stars; one submission).

Conditions:
ESRP1-related disorder. Also called: ESRP1-related condition.

Allele frequency attached by ClinVar (database versions not stated): ESP Exome Variant Server 0.00124; gnomAD 0.00196; TOPMed 0.00220; 1000 Genomes Project 30x 0.00281; 1000 Genomes Project 0.00359.
gnomAD v4.1: 664 of 1,613,582 alleles (0.041%); highest among the groups gnomAD compares: African/African-American, 0.75%; 3 homozygotes.

Submission:

PreventionGenetics, part of Exact Sciences
Classification: Likely benign for ESRP1-related condition. Last evaluated: 2019-02-28. Review status: no assertion criteria provided. Collection method: clinical testing. Allele origin: germline.
Comment: This variant is classified as likely benign based on ACMG/AMP sequence variant interpretation guidelines (Richards et al. 2015 PMID: 25741868, with internal and published modifications).

NM_017697.4(ESRP1):c.1428G>A (p.Gly476=)

Gene: ESRP1 (epithelial splicing regulatory protein 1; plus strand). Cytogenetic location: 8q22.1.
Variant type: single nucleotide variant.
Coding change: c.1428G>A on transcript NM_017697.4 (MANE Select); coding-DNA position 1428, G replaced by A.
Protein change: p.Gly476=; no amino-acid change (glycine 476 retained).
Molecular consequence: synonymous variant.
Genome position (GRCh38, 1-based): chr8:94,671,647, G>A. VCF-style: chr8-94671647-G-A. GRCh37 (hg19) VCF-style: chr8-95683875-G-A.
Other names: c.1428G>A, p.Gly476= (NM_001034915.3, NM_001122825.2, NM_001122826.2 and 1 more transcripts).
Identifiers: ClinVar variation 3057110 (VCV003057110.2), dbSNP rs139527251, ClinGen allele CA4812251.